The following is an entry in ClinVar:

ClinVar aggregate classification (germline): Likely pathogenic (1 of 4 stars; one submission).

Submission:

Quest Diagnostics Nichols Institute San Juan Capistrano
Classification: Likely pathogenic. Last evaluated: 2023-03-06. Review status: criteria provided, single submitter. Criteria: ACMG/ClinGen CNV Guidelines, 2019. Collection method: clinical testing. Allele origin: unknown.
Comment: This loss involves a single exon (exon 5; NM_015570.4) of an intragenic portion of AUTS2 (OMIM 607270). A number of heterozygous intragenic deletions of AUTS2 have been reported in individuals with variable phenotypes (Beunders 2016, Maron 2021). Additionally, haploinsufficiency of AUTS2 is associated with intellectual disability-26 (OMIM 615834, Amarillo 2014, Bartnik 2014, Beunders 2013, Beunders 2016, Biel 2022, Fan 2016, Nagamani 2013, Stojanovic 2021). There are no similar copy number losses of this region in the general populations of the Database of Genomic Variants. Thus, this copy number variant (CNV) is classified as likely pathogenic. References: Amarillo et al., Am J Med Genet A. 2014 Apr;164A(4):958-65. PMID: 24459036 Bartnik et al., Dev Period Med. 2014 Jul-Sep;18(3):307-17. PMID: 25182394 Beunders et al., Am J Hum Genet. 2013 Feb 7;92(2):210-20. PMID: 23332918 Beunders et al., J Med Genet. 2016 Aug;53(8):523-32. PMID:27075013 Biel et al., Front Mol Neurosci. 2022 Mar 31;15:858582. PMID: 35431798 Fan et al., Am J Med Genet A. 2016 Feb;170A(2):515-522. PMID: 26545289 Maron et al., JAMA Pediatr. 2021 May 1;175(5):e205906. PMID: 33587123 Nagamani et al., Eur J Hum Genet. 2013 Mar;21(3):343-6. PMID: 22872102 Stojanovic et al., J Child Neurol. 2020 Feb;35(2):116-131. PMID: 31623504

GRCh37/hg19 7q11.22(chr7:69697230-69978519)x1

Gene: AUTS2 (activator of transcription and developmental regulator AUTS2; plus strand). Cytogenetic location: 7q11.22.
Variant type: copy number loss.
Change: copy number 1 (one copy instead of two) of chr7:69,697,230-69,978,519 (281.3 kb, GRCh37 coordinates, 1-based), cytogenetic band 7q11.22.
Identifiers: ClinVar variation 2685245 (VCV002685245.1).